The following is an entry in ClinVar:

NM_001304438.2(TMEM132E):c.1295C>T (p.Thr432Met)

Gene: TMEM132E (transmembrane protein 132E; plus strand). Cytogenetic location: 17q12.
Variant type: single nucleotide variant.
Coding change: c.1295C>T on transcript NM_001304438.2 (MANE Select); coding-DNA position 1295, C replaced by T.
Protein change: p.Thr432Met; replaces threonine 432 with methionine.
Molecular consequence: missense variant.
Genome position (GRCh38, 1-based): chr17:34,629,161, C>T. VCF-style: chr17-34629161-C-T. GRCh37 (hg19) VCF-style: chr17-32956180-C-T.
Other names: short protein forms T432M.
Identifiers: ClinVar variation 2069355 (VCV002069355.4), dbSNP rs148162202, ClinGen allele CA8496632.

ClinVar aggregate classification (germline): Uncertain significance (1 of 4 stars; one submission).

Allele frequency attached by ClinVar (database versions not stated): ExAC 0.00005; gnomAD 0.00009; TOPMed 0.00007; ESP Exome Variant Server 0.00015; gnomAD exomes 0.00006.
gnomAD v4.1: 105 of 1,613,970 alleles (0.0065%); highest among the groups gnomAD compares: East Asian, 0.011%; no homozygotes.

Submission:

Labcorp Genetics (formerly Invitae), Labcorp
Classification: Uncertain significance. Last evaluated: 2022-01-16. Review status: criteria provided, single submitter. Criteria: Invitae Variant Classification Sherloc (09022015). Collection method: clinical testing. Allele origin: germline.
Comment: In summary, the available evidence is currently insufficient to determine the role of this variant in disease. Therefore, it has been classified as a Variant of Uncertain Significance. Algorithms developed to predict the effect of missense changes on protein structure and function are either unavailable or do not agree on the potential impact of this missense change (SIFT: "Deleterious"; PolyPhen-2: "Not Available"; Align-GVGD: "Class C0"). This variant has not been reported in the literature in individuals affected with TMEM132E-related conditions. This variant is present in population databases (rs148162202, gnomAD 0.02%). This sequence change replaces threonine, which is neutral and polar, with methionine, which is neutral and non-polar, at codon 432 of the TMEM132E protein (p.Thr432Met).